The following is an entry in ClinVar:

NM_025179.4(PLXNA2):c.1245C>T (p.Gly415=)

Gene: PLXNA2 (plexin A2; minus strand). Cytogenetic location: 1q32.2.
Variant type: single nucleotide variant.
Coding change: c.1245C>T on transcript NM_025179.4 (MANE Select); coding-DNA position 1245, C replaced by T.
Protein change: p.Gly415=; no amino-acid change (glycine 415 retained).
Molecular consequence: synonymous variant.
Genome position (GRCh38, 1-based): chr1:208,210,406, G>A on the plus strand (C>T on the coding strand, the complement: PLXNA2 is on the minus strand). VCF-style: chr1-208210406-G-A. GRCh37 (hg19) VCF-style: chr1-208383751-G-A.
Other names: c.1245C>T (NM_025179.3).
Identifiers: ClinVar variation 1562629 (VCV001562629.10), dbSNP rs144260713, ClinGen allele CA1373931.

ClinVar aggregate classification (germline): Likely benign. Review status: criteria provided, single submitter (1 of 4 stars). 2 submissions from 2 submitters: Likely benign (1). 1 of the submissions does not count toward it. Last evaluated 2025-08-21.

Conditions:
PLXNA2-related disorder. Also called: PLXNA2-related condition.

Allele frequency attached by ClinVar (database versions not stated): 1000 Genomes Project 30x 0.00062; TOPMed 0.00068; gnomAD exomes 0.00004 and 0.00012; ExAC 0.00013; ESP Exome Variant Server 0.00031; 1000 Genomes Project 0.00040; gnomAD 0.00054 and 0.00056.
gnomAD v4.1: 144 of 1,614,028 alleles (0.0089%); highest among the groups gnomAD compares: African/African-American, 0.17%; no homozygotes.

Submissions (2):

Labcorp Genetics (formerly Invitae), Labcorp
Classification: Likely benign. Last evaluated: 2025-08-21. Review status: criteria provided, single submitter. Criteria: Invitae Variant Classification Sherloc (09022015). Collection method: clinical testing. Allele origin: germline.

PreventionGenetics, part of Exact Sciences
Classification: Likely benign for PLXNA2-related condition. Last evaluated: 2021-09-03. Review status: no assertion criteria provided. Collection method: clinical testing. Allele origin: germline. Not counted in ClinVar's aggregate classification.
Comment: This variant is classified as likely benign based on ACMG/AMP sequence variant interpretation guidelines (Richards et al. 2015 PMID: 25741868, with internal and published modifications).